The following is an entry in ClinVar:

NM_031272.5(TEX14):c.3393G>A (p.Thr1131=)

Gene: TEX14 (testis expressed 14, intercellular bridge forming factor; minus strand). Cytogenetic location: 17q22.
Variant type: single nucleotide variant.
Coding change: c.3393G>A on transcript NM_031272.5 (MANE Select); coding-DNA position 3393, G replaced by A.
Protein change: p.Thr1131=; no amino-acid change (threonine 1131 retained).
Molecular consequence: synonymous variant.
Genome position (GRCh38, 1-based): chr17:58,573,299, C>T on the plus strand (G>A on the coding strand, the complement: TEX14 is on the minus strand). VCF-style: chr17-58573299-C-T. GRCh37 (hg19) VCF-style: chr17-56650660-C-T.
Other names: NC_000017.10:g.56650660C>T; c.3531G>A, p.Thr1177= (NM_001201457.2); c.3513G>A, p.Thr1171= (NM_198393.4).
Identifiers: ClinVar variation 3024921 (VCV003024921.23), dbSNP rs55768547, ClinGen allele CA8675781.

ClinVar aggregate classification (germline): Likely benign (1 of 4 stars; one submission).

Allele frequency attached by ClinVar (database versions not stated): 1000 Genomes Project 0.00060; 1000 Genomes Project 30x 0.00078; TOPMed 0.00107; gnomAD 0.00114; ExAC 0.00120; ESP Exome Variant Server 0.00169.
gnomAD v4.1: 2,923 of 1,613,184 alleles (0.18%); highest among the groups gnomAD compares: Middle Eastern, 0.5%; 7 homozygotes.

Submissions (5):

CeGaT Center for Human Genetics Tuebingen
Classification: Likely benign. Last evaluated: 2024-02-01. Review status: criteria provided, single submitter. Criteria: CeGaT Center For Human Genetics Tuebingen Variant Classification Criteria Version 2. Collection method: clinical testing. Allele origin: germline. Affected: yes. Observed: 1 variant allele.
Comment: TEX14: BP4, BP7

Dr. Peter K. Rogan Lab, Western University
No classification provided (evidence only). Condition: Familial cancer of breast. Review status: no classification provided. Collection method: in vitro. Allele origin: not applicable. Functional consequence: skipped exon. Not counted in ClinVar's aggregate classification.

Dr. Peter K. Rogan Lab, Western University
No classification provided (evidence only). Condition: Familial cancer of breast. Review status: no classification provided. Collection method: in vitro. Allele origin: not applicable. Functional consequence: retained intron. Not counted in ClinVar's aggregate classification.

Dr. Peter K. Rogan Lab, Western University
No classification provided (evidence only). Condition: Malignant lymphoma, large B-cell, diffuse. Review status: no classification provided. Collection method: in vitro. Allele origin: not applicable. Functional consequence: skipped exon. Not counted in ClinVar's aggregate classification.

Dr. Peter K. Rogan Lab, Western University
No classification provided (evidence only). Condition: Gastric cancer. Review status: no classification provided. Collection method: in vitro. Allele origin: not applicable. Functional consequence: retained intron. Not counted in ClinVar's aggregate classification.